The following is an entry in ClinVar:

NM_000572.3(IL10):c.274G>A (p.Glu92Lys)

Genes: IL10 (interleukin 10; minus strand), IL19 (interleukin 19; plus strand), LOC129932369 (ATAC-STARR-seq lymphoblastoid active region 2419; plus strand). Cytogenetic location: 1q32.1.
Variant type: single nucleotide variant.
Coding change: c.274G>A on transcript NM_000572.3 (MANE Select); coding-DNA position 274, G replaced by A.
Protein change: p.Glu92Lys; replaces glutamic acid 92 with lysine.
Molecular consequence: missense variant. On other transcripts: 5 prime UTR variant (1), non-coding transcript variant (1), intron variant (1).
Genome position (GRCh38, 1-based): chr1:206,771,011, C>T on the plus strand (G>A on the coding strand, the complement: IL10 is on the minus strand). VCF-style: chr1-206771011-C-T. GRCh37 (hg19) VCF-style: chr1-206944356-C-T.
Other names: c.-216C>T (NM_153758.5); c.19G>A, p.Glu7Lys (NM_001382624.1); c.-149+181C>T (NM_001393490.1); short protein forms E7K, E92K.
Identifiers: ClinVar variation 956183 (VCV000956183.10), dbSNP rs780612967, ClinGen allele CA1363787.

ClinVar aggregate classification (germline): Uncertain significance (1 of 4 stars; one submission).

Conditions:
Inflammatory bowel disease. Identifiers: Orphanet 104012, MedGen C0021390, MONDO:0005265.

Allele frequency attached by ClinVar (database versions not stated): gnomAD exomes below 0.00001 and 0.00001; ExAC 0.00001.
gnomAD v4.1: 2 of 1,614,144 alleles (0.00012%); highest among the groups gnomAD compares: South Asian, 0.0022%; no homozygotes.

Submission:

Labcorp Genetics (formerly Invitae), Labcorp
Classification: Uncertain significance for Inflammatory bowel disease. Last evaluated: 2019-09-12. Review status: criteria provided, single submitter. Criteria: Invitae Variant Classification Sherloc (09022015). Collection method: clinical testing. Allele origin: germline.
Comment: In summary, the available evidence is currently insufficient to determine the role of this variant in disease. Therefore, it has been classified as a Variant of Uncertain Significance. Algorithms developed to predict the effect of missense changes on protein structure and function output the following: SIFT: "Tolerated"; PolyPhen-2: "Benign"; Align-GVGD: "Class C0". The lysine amino acid residue is found in multiple mammalian species, suggesting that this missense change does not adversely affect protein function. These predictions have not been confirmed by published functional studies and their clinical significance is uncertain. This variant is present in population databases (rs780612967, ExAC 0.006%). This sequence change replaces glutamic acid with lysine at codon 92 of the IL10 protein (p.Glu92Lys). The glutamic acid residue is moderately conserved and there is a small physicochemical difference between glutamic acid and lysine. This variant has not been reported in the literature in individuals with IL10-related conditions.